The following is an entry in ClinVar:

NM_001369.3(DNAH5):c.4657_4658insGATGTGTATAAGAGACAGT (p.Asn1553delinsArgCysValTer)

Genes: DNAH5 (dynein axonemal heavy chain 5; minus strand), DNAH5-AS1 (DNAH5 antisense RNA 1; plus strand). Cytogenetic location: 5p15.2.
Variant type: Insertion.
Coding change: c.4657_4658insGATGTGTATAAGAGACAGT on transcript NM_001369.3 (MANE Select); coding-DNA positions 4657 to 4658, GATGTGTATAAGAGACAGT inserted.
Protein change: p.Asn1553delinsArgCysValTer.
Molecular consequence: nonsense.
Genome position: GRCh38 VCF-style: chr5-13862686-T-TACTGTCTCTTATACACATC. GRCh37 (hg19) VCF-style: chr5-13862795-T-TACTGTCTCTTATACACATC.
Identifiers: ClinVar variation 5011045 (VCV005011045.1).

ClinVar aggregate classification (germline): Pathogenic (1 of 4 stars; one submission).

Conditions:
Primary ciliary dyskinesia 3. Identifiers: Orphanet 244, MedGen C1837618, MONDO:0012085, OMIM 608644.

Submission:

Myriad Genetics, Inc.
Classification: Pathogenic for Primary ciliary dyskinesia 3. Last evaluated: 2024-05-14. Review status: criteria provided, single submitter. Criteria: Myriad Autosomal Dominant, Autosomal Recessive and X-Linked Classification Criteria (2023). Collection method: clinical testing. Allele origin: unknown.
Comment: NM_001369.2(DNAH5):c.4657_4658ins19(N1553Rfs*4) is expected to be pathogenic in the context of primary ciliary dyskinesia, DNAH5-related. This variant is predicted to lead to an abnormal or absent protein product due to the creation of a premature termination codon in DNAH5, a gene where loss-of-function variants are known to be pathogenic. Please note: this variant was assessed in the context of healthy population screening.